The following is an entry in ClinVar:

ClinVar aggregate classification (germline): Uncertain significance (1 of 4 stars; one submission).

Conditions:
Cardiovascular phenotype. Identifiers: MedGen CN230736.

gnomAD v4.1: 4 of 1,465,282 alleles (0.00027%); highest among the groups gnomAD compares: African/African-American, 0.0015%; no homozygotes.

Submission:

Ambry Genetics
Classification: Uncertain significance for Cardiovascular phenotype. Last evaluated: 2023-03-25. Review status: criteria provided, single submitter. Criteria: Ambry Variant Classification Scheme 2023. Collection method: clinical testing. Allele origin: germline.
Comment: The p.R1023C variant (also known as c.3067C>T), located in coding exon 1 of the ZNF469 gene, results from a C to T substitution at nucleotide position 3067. The arginine at codon 1023 is replaced by cysteine, an amino acid with highly dissimilar properties. This amino acid position is conserved. In addition, this alteration is predicted to be tolerated by in silico analysis. Since supporting evidence is limited at this time, the clinical significance of this alteration remains unclear.

NM_001367624.2(ZNF469):c.3067C>T (p.Arg1023Cys)

Gene: ZNF469 (zinc finger protein 469; plus strand). Cytogenetic location: 16q24.2.
Variant type: single nucleotide variant.
Coding change: c.3067C>T on transcript NM_001367624.2 (MANE Select); coding-DNA position 3067, C replaced by T.
Protein change: p.Arg1023Cys; replaces arginine 1023 with cysteine.
Molecular consequence: missense variant.
Genome position (GRCh38, 1-based): chr16:88,430,537, C>T. VCF-style: chr16-88430537-C-T. GRCh37 (hg19) VCF-style: chr16-88496945-C-T.
Other names: NM_001127464.1:c.3067C>T; short protein forms R1023C.
Identifiers: ClinVar variation 2564206 (VCV002564206.2), dbSNP rs761910925, ClinGen allele CA397077189.